The following is an entry in ClinVar:

ClinVar aggregate classification (germline): Conflicting classifications of pathogenicity. Review status: criteria provided, conflicting classifications (1 of 4 stars). 6 submissions from 6 submitters: Uncertain significance (5); Benign (1). Last evaluated 2025-11-24.

Conditions:
Hypokalemic periodic paralysis, type 1. Also called: HypoPP; Hypokalemic Periodic Paralysis Type 1 (AD). Identifiers: Orphanet 681, MedGen C3714580, MONDO:0042979, OMIM 170400.
Malignant hyperthermia, susceptibility to, 5 (MHS5). Also called: CACNA1S-Related Malignant Hyperthermia Susceptibility. Identifiers: Orphanet 423, MedGen C1866077, MONDO:0011163, OMIM 601887.
Thyrotoxic periodic paralysis, susceptibility to, 1 (TTPP1). Identifiers: Orphanet 79102, MedGen C2749982, MONDO:0008570, OMIM 188580.
Congenital myopathy 18. Also called: Myopathy, congenital, due to dihydropyridine receptor defect; DIHYDROPYRIDINE RECEPTOR CONGENITAL MYOPATHY; DHPR CONGENITAL MYOPATHY. Identifiers: MedGen C5830283, MONDO:0859514, OMIM 620246.

Allele frequency attached by ClinVar (database versions not stated): gnomAD 0.00004 and 0.00005; gnomAD exomes 0.00004; ExAC 0.00005; TOPMed 0.00007; ESP Exome Variant Server 0.00023.

Submissions (6):

Color Diagnostics, LLC DBA Color Health
Classification: Uncertain significance for Malignant hyperthermia, susceptibility to, 5. Last evaluated: 2025-11-24. Review status: criteria provided, single submitter. Criteria: ACMG Guidelines, 2015. Collection method: clinical testing. Allele origin: germline.
Comment: This missense variant replaces arginine with histidine at codon 683 of the CACNA1S protein. Computational prediction is inconclusive regarding the impact of this variant on protein structure and function. To our knowledge, functional studies have not been reported for this variant. This variant has not been reported in individuals affected with CACNA1S-related disorders in the literature. This variant has been identified in 11/282318 chromosomes in the general population by the Genome Aggregation Database (gnomAD). The available evidence is insufficient to determine the role of this variant in disease conclusively. Therefore, this variant is classified as a Variant of Uncertain Significance.

Labcorp Genetics (formerly Invitae), Labcorp
Classification: Benign for Hypokalemic periodic paralysis, type 1; Malignant hyperthermia, susceptibility to, 5. Last evaluated: 2025-09-13. Review status: criteria provided, single submitter. Criteria: Invitae Variant Classification Sherloc (09022015). Collection method: clinical testing. Allele origin: germline.

All of Us Research Program, National Institutes of Health
Classification: Uncertain significance for Malignant hyperthermia, susceptibility to, 5. Last evaluated: 2024-09-23. Review status: criteria provided, single submitter. Criteria: ACMG Guidelines, 2015. Collection method: clinical testing. Allele origin: germline. Inheritance: Autosomal dominant inheritance. Observed: 23 variant alleles, 23 heterozygotes.
Comment: This missense variant replaces arginine with histidine at codon 683 of the CACNA1S protein. Computational prediction is inconclusive regarding the impact of this variant on protein structure and function (internally defined REVEL score threshold 0.5 < inconclusive < 0.7, PMID: 27666373). To our knowledge, functional studies have not been reported for this variant. This variant has not been reported in individuals affected with CACNA1S-related disorders in the literature. This variant has been identified in 11/282318 chromosomes in the general population by the Genome Aggregation Database (gnomAD). The available evidence is insufficient to determine the role of this variant in disease conclusively. Therefore, this variant is classified as a Variant of Uncertain Significance.

This study involves interpretation of variants in research participants for the purpose of population health screening. Participant phenotype was not available at the time of variant classification. Additional details can be found in publication PMID: 35346344, PMCID: PMC8962531

GeneDx
Classification: Uncertain significance. Last evaluated: 2024-03-04. Review status: criteria provided, single submitter. Criteria: GeneDx Variant Classification Process June 2021. Collection method: clinical testing. Allele origin: germline. Affected: yes.
Comment: In silico analysis supports that this missense variant has a deleterious effect on protein structure/function; Has not been previously published as pathogenic or benign to our knowledge

Fulgent Genetics
Classification: Uncertain significance for Hypokalemic periodic paralysis, type 1; Thyrotoxic periodic paralysis, susceptibility to, 1; Malignant hyperthermia, susceptibility to, 5; Congenital myopathy 18. Last evaluated: 2024-02-14. Review status: criteria provided, single submitter. Criteria: ACMG Guidelines, 2015. Collection method: clinical testing. Allele origin: germline.

Institute of Human Genetics, University of Leipzig Medical Center
Classification: Uncertain significance for Hypokalemic periodic paralysis, type 1. Last evaluated: 2019-01-01. Review status: criteria provided, single submitter. Criteria: ACMG Guidelines, 2015. Collection method: clinical testing. Allele origin: unknown. Affected: yes.

NM_000069.3(CACNA1S):c.2048G>A (p.Arg683His)

Gene: CACNA1S (calcium voltage-gated channel subunit alpha1 S; minus strand). Cytogenetic location: 1q32.1.
Variant type: single nucleotide variant.
Coding change: c.2048G>A on transcript NM_000069.3 (MANE Select); coding-DNA position 2048, G replaced by A.
Protein change: p.Arg683His; replaces arginine 683 with histidine.
Molecular consequence: missense variant.
Genome position (GRCh38, 1-based): chr1:201,074,521, C>T on the plus strand (G>A on the coding strand, the complement: CACNA1S is on the minus strand). VCF-style: chr1-201074521-C-T. GRCh37 (hg19) VCF-style: chr1-201043649-C-T.
Other names: short protein forms R683H.
Identifiers: ClinVar variation 429405 (VCV000429405.18), dbSNP rs141031133, ClinGen allele CA078757.